The following is an entry in ClinVar:

ClinVar aggregate classification (germline): Uncertain significance. Review status: criteria provided, multiple submitters, no conflicts (2 of 4 stars). 3 submissions from 2 submitters: Uncertain significance (3). Last evaluated 2025-05-22.

Conditions:
WFS1-Related Spectrum Disorders.
Autosomal dominant nonsyndromic hearing loss 6 (LFSNHL). Also called: DIDMOAD (Diabetes Insipidus, Diabetes Mellitus, Optic Atrophy, and Deafness); DEAFNESS, AUTOSOMAL DOMINANT 6; DEAFNESS, AUTOSOMAL DOMINANT 14; DEAFNESS, AUTOSOMAL DOMINANT 38; Autosomal dominant nonsyndromic deafness 6. Identifiers: Orphanet 90635, MedGen C1833021, MONDO:0010963, OMIM 600965.

gnomAD v4.1: 15 of 1,612,964 alleles (0.00093%); highest among the groups gnomAD compares: Non-Finnish European, 0.0013%; no homozygotes.

Submissions (3):

GeneDx
Classification: Uncertain significance. Last evaluated: 2025-05-22. Review status: criteria provided, single submitter. Criteria: GeneDx Variant Classification Process June 2021. Collection method: clinical testing. Allele origin: germline. Affected: yes.
Comment: Not observed at significant frequency in large population cohorts (gnomAD); In silico analysis supports that this missense variant has a deleterious effect on protein structure/function; Has not been previously published as pathogenic or benign to our knowledge

Illumina Laboratory Services, Illumina
Classification: Uncertain significance for WFS1-Related Spectrum Disorders. Last evaluated: 2018-01-12. Review status: criteria provided, single submitter. Criteria: ICSL Variant Classification Criteria 13 December 2019. Collection method: clinical testing. Allele origin: germline.

Illumina Laboratory Services, Illumina
Classification: Uncertain significance for Autosomal dominant nonsyndromic hearing loss 6. Last evaluated: 2018-01-12. Review status: criteria provided, single submitter. Criteria: ICSL Variant Classification Criteria 13 December 2019. Collection method: clinical testing. Allele origin: germline.

NM_006005.3(WFS1):c.2356G>T (p.Gly786Cys)

Gene: WFS1 (wolframin ER transmembrane glycoprotein; plus strand). Cytogenetic location: 4p16.1.
Variant type: single nucleotide variant.
Coding change: c.2356G>T on transcript NM_006005.3 (MANE Select); coding-DNA position 2356, G replaced by T.
Protein change: p.Gly786Cys; replaces glycine 786 with cysteine.
Molecular consequence: missense variant.
Genome position (GRCh38, 1-based): chr4:6,302,151, G>T. VCF-style: chr4-6302151-G-T. GRCh37 (hg19) VCF-style: chr4-6303878-G-T.
Other names: c.2356G>T, p.Gly786Cys (NM_001145853.1); short protein forms G786C.
Identifiers: ClinVar variation 905197 (VCV000905197.5), dbSNP rs71578980, ClinGen allele CA356178432.